The following is an entry in ClinVar:

NM_004369.4(COL6A3):c.8640G>A (p.Thr2880=)

Gene: COL6A3 (collagen type VI alpha 3 chain; minus strand). Cytogenetic location: 2q37.3.
Variant type: single nucleotide variant.
Coding change: c.8640G>A on transcript NM_004369.4 (MANE Select); coding-DNA position 8640, G replaced by A.
Protein change: p.Thr2880=; no amino-acid change (threonine 2880 retained).
Molecular consequence: synonymous variant.
Genome position (GRCh38, 1-based): chr2:237,336,460, C>T on the plus strand (G>A on the coding strand, the complement: COL6A3 is on the minus strand). VCF-style: chr2-237336460-C-T. GRCh37 (hg19) VCF-style: chr2-238245103-C-T.
Other names: c.6819G>A, p.Thr2273= (NM_057166.5); c.8022G>A, p.Thr2674= (NM_057167.4).
Identifiers: ClinVar variation 2011386 (VCV002011386.6), dbSNP rs746309230, ClinGen allele CA2187479.

ClinVar aggregate classification (germline): Likely benign. Review status: criteria provided, multiple submitters, no conflicts (2 of 4 stars). 2 submissions from 2 submitters: Likely benign (2). Last evaluated 2026-04-01.

Conditions:
Bethlem myopathy 1A. Also called: MYOPATHY, BENIGN CONGENITAL, WITH CONTRACTURES; Bethlem Muscular Dystrophy; Bethlem myopathy 1. Identifiers: Orphanet 610, MedGen CN029274, MONDO:0024530, OMIM 158810.

Allele frequency attached by ClinVar (database versions not stated): gnomAD 0.00001; ExAC 0.00002; TOPMed 0.00002.
gnomAD v4.1: 30 of 1,613,966 alleles (0.0019%); highest among the groups gnomAD compares: Non-Finnish European, 0.0023%; no homozygotes.

Submissions (2):

CeGaT Center for Human Genetics Tuebingen
Classification: Likely benign. Last evaluated: 2026-04-01. Review status: criteria provided, single submitter. Criteria: CeGaT Center For Human Genetics Tuebingen Variant Classification Criteria Version 2. Collection method: clinical testing. Allele origin: germline. Affected: yes. Observed: 1 variant allele.
Comment: COL6A3: BP4, BP7

Labcorp Genetics (formerly Invitae), Labcorp
Classification: Likely benign for Bethlem myopathy 1A. Last evaluated: 2023-12-22. Review status: criteria provided, single submitter. Criteria: Invitae Variant Classification Sherloc (09022015). Collection method: clinical testing. Allele origin: germline.